The following is an entry in ClinVar:

ClinVar aggregate classification (germline): Uncertain significance (1 of 4 stars; one submission).

Allele frequency attached by ClinVar (database versions not stated): gnomAD exomes below 0.00001; TOPMed 0.00001.
gnomAD v4.1: 1 of 1,614,206 alleles (0.000062%); highest among the groups gnomAD compares: Non-Finnish European, 0.000085%; no homozygotes.

Submission:

Labcorp Genetics (formerly Invitae), Labcorp
Classification: Uncertain significance. Last evaluated: 2022-08-03. Review status: criteria provided, single submitter. Criteria: Invitae Variant Classification Sherloc (09022015). Collection method: clinical testing. Allele origin: germline.
Comment: This sequence change replaces isoleucine, which is neutral and non-polar, with serine, which is neutral and polar, at codon 370 of the SLC1A4 protein (p.Ile370Ser). This variant is not present in population databases (gnomAD no frequency). This variant has not been reported in the literature in individuals affected with SLC1A4-related conditions. Algorithms developed to predict the effect of missense changes on protein structure and function (SIFT, PolyPhen-2, Align-GVGD) all suggest that this variant is likely to be disruptive. In summary, the available evidence is currently insufficient to determine the role of this variant in disease. Therefore, it has been classified as a Variant of Uncertain Significance.

NM_003038.5(SLC1A4):c.1109T>G (p.Ile370Ser)

Gene: SLC1A4 (solute carrier family 1 member 4; plus strand). Cytogenetic location: 2p14.
Variant type: single nucleotide variant.
Coding change: c.1109T>G on transcript NM_003038.5 (MANE Select); coding-DNA position 1109, T replaced by G.
Protein change: p.Ile370Ser; replaces isoleucine 370 with serine.
Molecular consequence: missense variant.
Genome position (GRCh38, 1-based): chr2:65,018,145, T>G. VCF-style: chr2-65018145-T-G. GRCh37 (hg19) VCF-style: chr2-65245279-T-G.
Other names: c.215T>G, p.Ile72Ser (NM_001193493.2); c.449T>G, p.Ile150Ser (NM_001348406.2, NM_001348407.2); short protein forms I150S, I370S, I72S.
Identifiers: ClinVar variation 1713507 (VCV001713507.3), dbSNP rs1253833996, ClinGen allele CA347009867.